The following is an entry in ClinVar:

NM_000097.7(CPOX):c.710C>T (p.Pro237Leu)

Gene: CPOX (coproporphyrinogen oxidase; minus strand). Cytogenetic location: 3q11.2.
Variant type: single nucleotide variant.
Coding change: c.710C>T on transcript NM_000097.7 (MANE Select); coding-DNA position 710, C replaced by T.
Protein change: p.Pro237Leu; replaces proline 237 with leucine.
Molecular consequence: missense variant.
Genome position (GRCh38, 1-based): chr3:98,590,733, G>A on the plus strand (C>T on the coding strand, the complement: CPOX is on the minus strand). VCF-style: chr3-98590733-G-A. GRCh37 (hg19) VCF-style: chr3-98309577-G-A.
Other names: c.710C>T, p.Pro237Leu (LRG_1077t1); short protein forms P237L.
Identifiers: ClinVar variation 648760 (VCV000648760.5), dbSNP rs748004210, ClinGen allele CA2511629.
Genomic context (GRCh38, chr3:98,590,733, plus strand): 5'-ATAGTAGGAGCATGAGGATTCTTGGGGTGGATAACAGAGCTCACGCCCATAGCACAAAAT[G>A]GCAATTTACCTGGAAAGTAAAATATGAGTCATGAGCTATATTCAGTTACCTTGAATGCCT-3'
Protein context (NP_000088.3, residues 227-247): KVLKTKDGKL[Pro237Leu]FCAMGVSSVI

ClinVar aggregate classification (germline): Uncertain significance (1 of 4 stars; one submission).

Allele frequency attached by ClinVar (database versions not stated): ExAC 0.00001; gnomAD exomes 0.00001; TOPMed 0.00001; gnomAD 0.00003 and 0.00004.
gnomAD v4.1: 23 of 1,612,270 alleles (0.0014%); highest among the groups gnomAD compares: African/African-American, 0.0027%; no homozygotes.

Submission:

Labcorp Genetics (formerly Invitae), Labcorp
Classification: Uncertain significance. Last evaluated: 2025-10-13. Review status: criteria provided, single submitter. Criteria: Invitae Variant Classification Sherloc (09022015). Collection method: clinical testing. Allele origin: germline.
Comment: This sequence change replaces proline, which is neutral and non-polar, with leucine, which is neutral and non-polar, at codon 237 of the CPOX protein (p.Pro237Leu). This variant is present in population databases (rs748004210, gnomAD 0.004%). This variant has not been reported in the literature in individuals affected with CPOX-related conditions. ClinVar contains an entry for this variant (Variation ID: 648760). Invitae Evidence Modeling of protein sequence and biophysical properties (such as structural, functional, and spatial information, amino acid conservation, physicochemical variation, residue mobility, and thermodynamic stability) indicates that this missense variant is not expected to disrupt CPOX protein function with a negative predictive value of 80%. In summary, the available evidence is currently insufficient to determine the role of this variant in disease. Therefore, it has been classified as a Variant of Uncertain Significance.